The following is an entry in ClinVar:

ClinVar aggregate classification (germline): Conflicting classifications of pathogenicity. Review status: criteria provided, conflicting classifications (1 of 4 stars). 2 submissions from 2 submitters: Uncertain significance (1); Likely benign (1). Last evaluated 2026-02-01.

Conditions:
Epileptic encephalopathy. Identifiers: MedGen C0543888, HP:0200134.

Allele frequency attached by ClinVar (database versions not stated): TOPMed 0.00015; ESP Exome Variant Server 0.00016; gnomAD exomes 0.00009 and 0.00013; gnomAD 0.00011; ExAC 0.00015.
gnomAD v4.1: 161 of 1,613,850 alleles (0.01%); highest among the groups gnomAD compares: Middle Eastern, 0.12%; no homozygotes.

Submissions (2):

CeGaT Center for Human Genetics Tuebingen
Classification: Uncertain significance. Last evaluated: 2026-02-01. Review status: criteria provided, single submitter. Criteria: CeGaT Center For Human Genetics Tuebingen Variant Classification Criteria Version 2. Collection method: clinical testing. Allele origin: germline. Affected: yes. Observed: 1 variant allele.
Comment: RYR3: PM2

Labcorp Genetics (formerly Invitae), Labcorp
Classification: Likely benign for Epileptic encephalopathy. Last evaluated: 2024-11-11. Review status: criteria provided, single submitter. Criteria: Invitae Variant Classification Sherloc (09022015). Collection method: clinical testing. Allele origin: germline.

NM_001036.6(RYR3):c.12833T>C (p.Met4278Thr)

Gene: RYR3 (ryanodine receptor 3; plus strand). Cytogenetic location: 15q14.
Variant type: single nucleotide variant.
Coding change: c.12833T>C on transcript NM_001036.6 (MANE Select); coding-DNA position 12833, T replaced by C.
Protein change: p.Met4278Thr; replaces methionine 4278 with threonine.
Molecular consequence: missense variant.
Genome position (GRCh38, 1-based): chr15:33,838,813, T>C. VCF-style: chr15-33838813-T-C. GRCh37 (hg19) VCF-style: chr15-34131014-T-C.
Other names: c.12818T>C, p.Met4273Thr (NM_001243996.4); short protein forms M4278T, M4273T.
Identifiers: ClinVar variation 531037 (VCV000531037.14), dbSNP rs201660041, ClinGen allele CA7461482.
Genomic context (GRCh38, chr15:33,838,813, plus strand): 5'-CAGGTATCACCACTGAACTAGTACACTTCATAAAGGGGGAGAAGGGAGATACAGATATCA[T>C]GTCAGACCTCTTTGGACTCCACCCAAAGAAAGAGGGCAGCTTAAAGCATGGGCCTGAAGT-3'
Protein context (NP_001027.3, residues 4268-4288): IKGEKGDTDI[Met4278Thr]SDLFGLHPKK